The following is an entry in ClinVar:

NM_000179.3(MSH6):c.472G>T (p.Glu158Ter)

Gene: MSH6 (mutS homolog 6; plus strand). Cytogenetic location: 2p16.3.
Variant type: single nucleotide variant.
Coding change: c.472G>T on transcript NM_000179.3 (MANE Select); coding-DNA position 472, G replaced by T.
Protein change: p.Glu158Ter; replaces glutamic acid 158 with a stop codon.
Molecular consequence: nonsense. On other transcripts: 5 prime UTR variant (5), non-coding transcript variant (5), intron variant (8).
Genome position (GRCh38, 1-based): chr2:47,795,908, G>T. VCF-style: chr2-47795908-G-T. GRCh37 (hg19) VCF-style: chr2-48023047-G-T.
Other names: c.-431G>T (NM_001281494.2); c.568G>T, p.Glu190Ter (NM_001406795.1, NM_001406802.1); c.472G>T, p.Glu158Ter (NM_001406796.1, NM_001406798.1, NM_001406800.1 and 5 more transcripts); c.175G>T, p.Glu59Ter (NM_001406797.1, NM_001406801.1, NM_001406805.1 and 10 more transcripts); c.-54G>T (NM_001406799.1, NM_001406806.1, NM_001406807.1); c.394G>T, p.Glu132Ter (NM_001406804.1); c.478G>T, p.Glu160Ter (NM_001406813.1); c.-523G>T (NM_001406814.1); and 3 more; short protein forms E102*, E132*, E158*, E160*, E190*, E59*.
Identifiers: ClinVar variation 2673602 (VCV002673602.1), dbSNP rs2104228754, ClinGen allele CA346738584.

ClinVar aggregate classification (germline): Pathogenic (1 of 4 stars; one submission).

Conditions:
Lynch syndrome 5 (LYNCH5). Also called: Colorectal cancer, hereditary nonpolyposis, type 5; Hereditary non-polyposis colorectal cancer, type 5. Identifiers: Orphanet 144, MedGen C1833477, MONDO:0013710, OMIM 614350. Disease mechanism: loss of function.

Submission:

Myriad Genetics, Inc.
Classification: Pathogenic for Lynch syndrome 5. Last evaluated: 2023-08-10. Review status: criteria provided, single submitter. Criteria: Myriad Autosomal Dominant, Autosomal Recessive and X-Linked Classification Criteria (2023). Collection method: clinical testing. Allele origin: unknown.
Comment: This variant is considered pathogenic. This variant creates a termination codon and is predicted to result in premature protein truncation.